The following is an entry in ClinVar:

ClinVar aggregate classification (germline): Uncertain significance (1 of 4 stars; one submission).

Submission:

Ambry Genetics
Classification: Uncertain significance. Last evaluated: 2024-04-07. Review status: criteria provided, single submitter. Criteria: Ambry Variant Classification Scheme 2023. Collection method: clinical testing. Allele origin: germline.
Comment: The p.C1277R variant (also known as c.3829T>C), located in coding exon 8 of the MLH3 gene, results from a T to C substitution at nucleotide position 3829. The cysteine at codon 1277 is replaced by arginine, an amino acid with highly dissimilar properties. This amino acid position is conserved. In addition, the in silico prediction for this alteration is inconclusive. Based on the available evidence, the clinical significance of this variant remains unclear.

NM_001040108.2(MLH3):c.3829T>C (p.Cys1277Arg)

Gene: MLH3 (mutL homolog 3; minus strand). Cytogenetic location: 14q24.3.
Variant type: single nucleotide variant.
Coding change: c.3829T>C on transcript NM_001040108.2 (MANE Select); coding-DNA position 3829, T replaced by C.
Protein change: p.Cys1277Arg; replaces cysteine 1277 with arginine.
Molecular consequence: missense variant.
Genome position (GRCh38, 1-based): chr14:75,030,701, A>G on the plus strand (T>C on the coding strand, the complement: MLH3 is on the minus strand). VCF-style: chr14-75030701-A-G. GRCh37 (hg19) VCF-style: chr14-75497404-A-G.
Other names: c.3757T>C, p.Cys1253Arg (NM_014381.3); short protein forms C1253R, C1277R.
Identifiers: ClinVar variation 3295103 (VCV003295103.1).